The following is an entry in ClinVar:

NM_006947.4(SRP72):c.1328C>T (p.Ser443Phe)

Gene: SRP72 (signal recognition particle 72; plus strand). Cytogenetic location: 4q12.
Variant type: single nucleotide variant.
Coding change: c.1328C>T on transcript NM_006947.4 (MANE Select); coding-DNA position 1328, C replaced by T.
Protein change: p.Ser443Phe; replaces serine 443 with phenylalanine.
Molecular consequence: missense variant. On other transcripts: non-coding transcript variant (1).
Genome position (GRCh38, 1-based): chr4:56,490,340, C>T. VCF-style: chr4-56490340-C-T. GRCh37 (hg19) VCF-style: chr4-57356506-C-T.
Other names: c.1145C>T, p.Ser382Phe (NM_001267722.2); c.1328C>T (NM_006947.3); short protein forms S443F, S382F.
Identifiers: ClinVar variation 1365980 (VCV001365980.9), dbSNP rs2110126959, ClinGen allele CA357001483.

ClinVar aggregate classification (germline): Uncertain significance. Review status: criteria provided, multiple submitters, no conflicts (2 of 4 stars). 2 submissions from 2 submitters: Uncertain significance (2). Last evaluated 2025-06-06.

Submissions (2):

Ambry Genetics
Classification: Uncertain significance. Last evaluated: 2025-06-06. Review status: criteria provided, single submitter. Criteria: Ambry Variant Classification Scheme 2023. Collection method: clinical testing. Allele origin: germline.
Comment: The p.S443F variant (also known as c.1328C>T), located in coding exon 14 of the SRP72 gene, results from a C to T substitution at nucleotide position 1328. The serine at codon 443 is replaced by phenylalanine, an amino acid with highly dissimilar properties. This amino acid position is conserved. In addition, the in silico prediction for this alteration is inconclusive. Based on the available evidence, the clinical significance of this variant remains unclear.

Labcorp Genetics (formerly Invitae), Labcorp
Classification: Uncertain significance. Last evaluated: 2021-07-05. Review status: criteria provided, single submitter. Criteria: Invitae Variant Classification Sherloc (09022015). Collection method: clinical testing. Allele origin: germline.
Comment: This sequence change replaces serine with phenylalanine at codon 443 of the SRP72 protein (p.Ser443Phe). The serine residue is highly conserved and there is a large physicochemical difference between serine and phenylalanine. This variant is not present in population databases (ExAC no frequency). This variant has not been reported in the literature in individuals affected with SRP72-related conditions. Algorithms developed to predict the effect of missense changes on protein structure and function are either unavailable or do not agree on the potential impact of this missense change (SIFT: "Tolerated"; PolyPhen-2: "Probably Damaging"; Align-GVGD: "Class C0"). In summary, the available evidence is currently insufficient to determine the role of this variant in disease. Therefore, it has been classified as a Variant of Uncertain Significance.